The following is an entry in ClinVar:

ClinVar aggregate classification (germline): Uncertain significance (1 of 4 stars; one submission).

Submission:

GeneDx
Classification: Uncertain significance. Last evaluated: 2024-03-27. Review status: criteria provided, single submitter. Criteria: GeneDx Variant Classification Process June 2021. Collection method: clinical testing. Allele origin: germline. Affected: yes.
Comment: Not observed at significant frequency in large population cohorts (gnomAD); In silico analysis supports that this missense variant has a deleterious effect on protein structure/function; Has not been previously published as pathogenic or benign to our knowledge

NM_004380.3(CREBBP):c.6047T>C (p.Met2016Thr)

Gene: CREBBP (CREB binding protein; minus strand). Cytogenetic location: 16p13.3.
Variant type: single nucleotide variant.
Coding change: c.6047T>C on transcript NM_004380.3 (MANE Select); coding-DNA position 6047, T replaced by C.
Protein change: p.Met2016Thr; replaces methionine 2016 with threonine.
Molecular consequence: missense variant.
Genome position (GRCh38, 1-based): chr16:3,729,000, A>G on the plus strand (T>C on the coding strand, the complement: CREBBP is on the minus strand). VCF-style: chr16-3729000-A-G. GRCh37 (hg19) VCF-style: chr16-3779001-A-G.
Other names: c.5933T>C, p.Met1978Thr (NM_001079846.1); short protein forms M1978T, M2016T.
Identifiers: ClinVar variation 3371778 (VCV003371778.1).